The following is an entry in ClinVar:

ClinVar aggregate classification (germline): Uncertain significance (1 of 4 stars; one submission).

Allele frequency attached by ClinVar (database versions not stated): gnomAD exomes below 0.00001; ExAC 0.00001; gnomAD 0.00001; 1000 Genomes Project 30x 0.00016; 1000 Genomes Project 0.00020.
gnomAD v4.1: 2 of 1,601,182 alleles (0.00012%); highest among the groups gnomAD compares: South Asian, 0.0022%; no homozygotes.

Submission:

Labcorp Genetics (formerly Invitae), Labcorp
Classification: Uncertain significance. Last evaluated: 2023-04-17. Review status: criteria provided, single submitter. Criteria: Invitae Variant Classification Sherloc (09022015). Collection method: clinical testing. Allele origin: germline.
Comment: In summary, the available evidence is currently insufficient to determine the role of this variant in disease. Therefore, it has been classified as a Variant of Uncertain Significance. Variants that disrupt the consensus splice site are a relatively common cause of aberrant splicing (PMID: 17576681, 9536098). Algorithms developed to predict the effect of sequence changes on RNA splicing suggest that this variant may create or strengthen a splice site. This variant has not been reported in the literature in individuals affected with CD46-related conditions. This variant is present in population databases (rs531648232, gnomAD 0.003%). This sequence change falls in intron 11 of the CD46 gene. It does not directly change the encoded amino acid sequence of the CD46 protein. It affects a nucleotide within the consensus splice site.

Literature cited by the submitters: PubMed 17576681; PubMed 9536098.

NM_172351.3(CD46):c.1019-3T>C

Gene: CD46 (CD46 molecule; plus strand). Cytogenetic location: 1q32.2.
Variant type: single nucleotide variant.
Coding change: c.1019-3T>C on transcript NM_172351.3 (MANE Select); 3 bases into the intron before coding-DNA position 1019, T replaced by C.
Molecular consequence: intron variant.
Genome position (GRCh38, 1-based): chr1:207,785,616, T>C. VCF-style: chr1-207785616-T-C. GRCh37 (hg19) VCF-style: chr1-207958961-T-C.
Other names: c.1064-3T>C (NM_002389.4, NM_172359.3); c.1019-3T>C (NM_153826.4); c.1019-40T>C (NM_172358.3); c.977-3T>C (NM_172355.3, NM_172356.3); c.974-3T>C (NM_172352.3, NM_172353.3); c.973+510T>C (NM_172350.3); c.932-3T>C (NM_172357.3, NM_172361.3).
Identifiers: ClinVar variation 2973972 (VCV002973972.3), dbSNP rs531648232, ClinGen allele CA1371879.